The following is an entry in ClinVar:

ClinVar aggregate classification (germline): Uncertain significance. Review status: criteria provided, multiple submitters, no conflicts (2 of 4 stars). 2 submissions from 2 submitters: Uncertain significance (2). Last evaluated 2025-03-05.

Allele frequency attached by ClinVar (database versions not stated): 1000 Genomes Project 30x 0.00016; ESP Exome Variant Server 0.00062; gnomAD exomes 0.00003; ExAC 0.00010; gnomAD 0.00019; 1000 Genomes Project 0.00020; TOPMed 0.00024.
gnomAD v4.1: 75 of 1,613,756 alleles (0.0046%); highest among the groups gnomAD compares: African/African-American, 0.095%; no homozygotes.

Submissions (2):

Labcorp Genetics (formerly Invitae), Labcorp
Classification: Uncertain significance. Last evaluated: 2025-03-05. Review status: criteria provided, single submitter. Criteria: Invitae Variant Classification Sherloc (09022015). Collection method: clinical testing. Allele origin: germline.
Comment: This sequence change replaces leucine, which is neutral and non-polar, with proline, which is neutral and non-polar, at codon 26 of the CREB3L3 protein (p.Leu26Pro). The frequency data for this variant in the population databases is considered unreliable, as metrics indicate poor data quality at this position in the gnomAD database. This variant has not been reported in the literature in individuals affected with CREB3L3-related conditions. ClinVar contains an entry for this variant (Variation ID: 2918806). An algorithm developed to predict the effect of missense changes on protein structure and function (PolyPhen-2) suggests that this variant is likely to be disruptive. In summary, the available evidence is currently insufficient to determine the role of this variant in disease. Therefore, it has been classified as a Variant of Uncertain Significance.

Ambry Genetics
Classification: Uncertain significance. Last evaluated: 2024-10-21. Review status: criteria provided, single submitter. Criteria: Ambry Variant Classification Scheme 2023. Collection method: clinical testing. Allele origin: germline.

NM_032607.3(CREB3L3):c.77T>C (p.Leu26Pro)

Gene: CREB3L3 (cAMP responsive element binding protein 3 like 3; plus strand). Cytogenetic location: 19p13.3.
Variant type: single nucleotide variant.
Coding change: c.77T>C on transcript NM_032607.3 (MANE Select); coding-DNA position 77, T replaced by C.
Protein change: p.Leu26Pro; replaces leucine 26 with proline.
Molecular consequence: missense variant.
Genome position (GRCh38, 1-based): chr19:4,154,948, T>C. VCF-style: chr19-4154948-T-C. GRCh37 (hg19) VCF-style: chr19-4154945-T-C.
Other names: c.77T>C (NM_032607.1); c.77T>C, p.Leu26Pro (NM_001271995.2, NM_001271996.2, NM_001271997.2); short protein forms L26P.
Identifiers: ClinVar variation 2918806 (VCV002918806.4), dbSNP rs149387566, ClinGen allele CA9091191.
Genomic context (GRCh38, chr19:4,154,948, plus strand): 5'-TCGCGCCCCAGATGGCTTCTGCTGCCTGCTCCATGGACCCCATCGACAGCTTTGAGCTCC[T>C]GGATCTCCTGTTTGACCGGCAGGACGGCATCCTGAGACACGTGGAGCTGGGCGAGGGCTG-3'
Protein context (NP_115996.1, residues 16-36): SMDPIDSFEL[Leu26Pro]DLLFDRQDGI